The following is an entry in ClinVar:

ClinVar aggregate classification (germline): Uncertain significance (1 of 4 stars; one submission).

Conditions:
Intellectual disability-microcephaly-strabismus-behavioral abnormalities syndrome. Also called: White-Sutton Syndrome. Identifiers: Orphanet 468678, MedGen C4225351, MONDO:0014606, OMIM 616364.

Submission:

3billion
Classification: Uncertain significance for Intellectual disability-microcephaly-strabismus-behavioral abnormalities syndrome. Last evaluated: 2024-08-12. Review status: criteria provided, single submitter. Criteria: ACMG Guidelines, 2015. Collection method: clinical testing. Allele origin: germline. Affected: yes.
Comment: The variant is not observed in the gnomAD v4.0.0 dataset. Predicted Consequence/Location: Missense variant Damaging effect on gene or gene product predicted by in silico programs is uncertain [REVEL: 0.28 (damaging >=0.6, benign <0.4), 3Cnet: 0.33 (damaging >=0.6, benign <0.15)]. Therefore, this variant is classified as VUS according to the recommendation of ACMG/AMP guideline.

NM_015100.4(POGZ):c.3128T>C (p.Leu1043Pro)

Gene: POGZ (pogo transposable element derived with ZNF domain; minus strand). Cytogenetic location: 1q21.3.
Variant type: single nucleotide variant.
Coding change: c.3128T>C on transcript NM_015100.4 (MANE Select); coding-DNA position 3128, T replaced by C.
Protein change: p.Leu1043Pro; replaces leucine 1043 with proline.
Molecular consequence: missense variant.
Genome position (GRCh38, 1-based): chr1:151,405,907, A>G on the plus strand (T>C on the coding strand, the complement: POGZ is on the minus strand). VCF-style: chr1-151405907-A-G. GRCh37 (hg19) VCF-style: chr1-151378383-A-G.
Other names: c.3101T>C, p.Leu1034Pro (NM_001194937.2); c.2942T>C, p.Leu981Pro (NM_001194938.2); c.3149T>C, p.Leu1050Pro (NM_001410860.1); c.2843T>C, p.Leu948Pro (NM_145796.4); c.2969T>C, p.Leu990Pro (NM_207171.2); short protein forms L1034P, L1043P, L1050P, L948P, L981P, L990P.
Identifiers: ClinVar variation 4292255 (VCV004292255.1).